The following is an entry in ClinVar:

NM_017946.4(FKBP14):c.40G>C (p.Val14Leu)

Genes: FKBP14 (FKBP prolyl isomerase 14; minus strand), FKBP14-AS1 (FKBP14 antisense RNA 1; plus strand). Cytogenetic location: 7p14.3.
Variant type: single nucleotide variant.
Coding change: c.40G>C on transcript NM_017946.4 (MANE Select); coding-DNA position 40, G replaced by C.
Protein change: p.Val14Leu; replaces valine 14 with leucine.
Molecular consequence: missense variant. On other transcripts: non-coding transcript variant (2).
Genome position (GRCh38, 1-based): chr7:30,026,469, C>G on the plus strand (G>C on the coding strand, the complement: FKBP14 is on the minus strand). VCF-style: chr7-30026469-C-G. GRCh37 (hg19) VCF-style: chr7-30066085-C-G.
Other names: c.40G>C (NM_017946.2); short protein forms V14L.
Identifiers: ClinVar variation 2420763 (VCV002420763.11), dbSNP rs2483531450, ClinGen allele CA367118088.
Genomic context (GRCh38, chr7:30,026,469, plus strand): 5'-TCTGGAGAACTTCAATTTTCACTTCTGGTTCAGGGATCAAAGCCCCAATCAAAGAAGTGA[C>G]GAACAGAGTCAAGACCGCGTTCCACAAGAAAAGCCTCATGTTGCTGAAGCAAGGAAAGAA-3'
Protein context (NP_060416.1, residues 4-24): FLWNAVLTLF[Val14Leu]TSLIGALIPE

ClinVar aggregate classification (germline): Uncertain significance. Review status: criteria provided, multiple submitters, no conflicts (2 of 4 stars). 2 submissions from 2 submitters: Uncertain significance (2). Last evaluated 2025-09-12.

Conditions:
Cardiovascular phenotype. Identifiers: MedGen CN230736.
Ehlers-Danlos syndrome, kyphoscoliotic type, 2. Also called: Ehlers-Danlos syndrome with progressive kyphoscoliosis, myopathy, and hearing loss; Ehlers-Danlos syndrome, kyphoscoliotic and deafness type; FKBP14-Kyphoscoliotic Ehlers-Danlos Syndrome. Identifiers: Orphanet 300179, MedGen C3281160, MONDO:0013800, OMIM 614557.

Allele frequency attached by ClinVar (database versions not stated): gnomAD exomes below 0.00001.
gnomAD v4.1: 6 of 1,613,922 alleles (0.00037%); highest among the groups gnomAD compares: Non-Finnish European, 0.00051%; no homozygotes.

Submissions (2):

Ambry Genetics
Classification: Uncertain significance for Cardiovascular phenotype. Last evaluated: 2025-09-12. Review status: criteria provided, single submitter. Criteria: Ambry Variant Classification Scheme 2023. Collection method: clinical testing. Allele origin: germline.
Comment: The p.V14L variant (also known as c.40G>C), located in coding exon 1 of the FKBP14 gene, results from a G to C substitution at nucleotide position 40. The valine at codon 14 is replaced by leucine, an amino acid with highly similar properties. This amino acid position is conserved. In addition, this alteration is predicted to be tolerated by in silico analysis. Based on the available evidence, the clinical significance of this variant remains unclear.

Labcorp Genetics (formerly Invitae), Labcorp
Classification: Uncertain significance for Ehlers-Danlos syndrome, kyphoscoliotic type, 2. Last evaluated: 2022-04-16. Review status: criteria provided, single submitter. Criteria: Invitae Variant Classification Sherloc (09022015). Collection method: clinical testing. Allele origin: germline.
Comment: In summary, the available evidence is currently insufficient to determine the role of this variant in disease. Therefore, it has been classified as a Variant of Uncertain Significance. This variant is not present in population databases (gnomAD no frequency). Algorithms developed to predict the effect of missense changes on protein structure and function output the following: SIFT: "Tolerated"; PolyPhen-2: "Benign"; Align-GVGD: "Class C0". The leucine amino acid residue is found in multiple mammalian species, which suggests that this missense change does not adversely affect protein function. This variant has not been reported in the literature in individuals affected with FKBP14-related conditions. This sequence change replaces valine, which is neutral and non-polar, with leucine, which is neutral and non-polar, at codon 14 of the FKBP14 protein (p.Val14Leu).